The following is an entry in ClinVar:

NM_173354.5(SIK1):c.1077C>T (p.Ala359=)

Gene: SIK1 (salt inducible kinase 1; minus strand). Cytogenetic location: 21q22.3.
Variant type: single nucleotide variant.
Coding change: c.1077C>T on transcript NM_173354.5 (MANE Select); coding-DNA position 1077, C replaced by T.
Protein change: p.Ala359=; no amino-acid change (alanine 359 retained).
Molecular consequence: synonymous variant.
Genome position (GRCh38, 1-based): chr21:43,419,901, G>A on the plus strand (C>T on the coding strand, the complement: SIK1 is on the minus strand). VCF-style: chr21-43419901-G-A. GRCh37 (hg19) VCF-style: chr21-44839781-G-A.
Identifiers: ClinVar variation 476076 (VCV000476076.47), dbSNP rs149713367, ClinGen allele CA321326487.
Genomic context (GRCh38, chr21:43,419,901, plus strand): 5'-GAGACTCCTCCCCCTCACCTCCAAACCACTGAGGTCCGAGCTCCGAGGCCGCGGCTGCCT[G>A]GCAGGCCCGGGGCGGGCGCACTGGGCATTCCGATACTCCTTGAGCCGCTCAAGGAGGAGG-3'
Protein context (NP_775490.2, residues 349-369): RNAQCARPGP[Ala359=]RQPRPRSSDL

ClinVar aggregate classification (germline): Benign/Likely benign. Review status: criteria provided, multiple submitters, no conflicts (2 of 4 stars). 4 submissions from 4 submitters: Benign (1); Likely benign (3). Last evaluated 2026-01-09.

Conditions:
Developmental and epileptic encephalopathy, 30 (DEE30). Also called: Epileptic encephalopathy, early infantile, 30. Identifiers: MedGen C4225360, MONDO:0014595, OMIM 616341.
Inborn genetic diseases. Identifiers: MedGen C0950123, MeSH D030342.

Allele frequency attached by ClinVar (database versions not stated): gnomAD 0.00076; ESP Exome Variant Server 0.00100; 1000 Genomes Project 0.00140; ExAC 0.00162.

Submissions (4):

Labcorp Genetics (formerly Invitae), Labcorp
Classification: Benign for Developmental and epileptic encephalopathy, 30. Last evaluated: 2026-01-09. Review status: criteria provided, single submitter. Criteria: Invitae Variant Classification Sherloc (09022015). Collection method: clinical testing. Allele origin: germline.

CeGaT Center for Human Genetics Tuebingen
Classification: Likely benign. Last evaluated: 2025-07-01. Review status: criteria provided, single submitter. Criteria: CeGaT Center For Human Genetics Tuebingen Variant Classification Criteria Version 2. Collection method: clinical testing. Allele origin: germline. Affected: yes. Observed: 6 variant alleles.
Comment: SIK1: BP4, BP7

Blueprint Genetics
Classification: Likely benign. Last evaluated: 2024-11-26. Review status: criteria provided, single submitter. Criteria: ACMG Guidelines, 2015. Collection method: clinical testing. Allele origin: germline.

Ambry Genetics
Classification: Likely benign for Inborn genetic diseases. Last evaluated: 2017-02-22. Review status: criteria provided, single submitter. Criteria: Ambry Variant Classification Scheme 2023. Collection method: clinical testing. Allele origin: germline.